The following is an entry in ClinVar:

ClinVar aggregate classification (germline): Likely pathogenic (1 of 4 stars; one submission).

Conditions:
Autosomal recessive congenital ichthyosis 2 (ARCI2). Identifiers: Orphanet 281122, Orphanet 79394, MedGen C3888093, MONDO:0009439, OMIM 242100.

Allele frequency attached by ClinVar (database versions not stated): TOPMed below 0.00001.

Submission:

Laboratory of Medical Genetics, National & Kapodistrian University of Athens
Classification: Likely pathogenic for Autosomal recessive congenital ichthyosis 2. Last evaluated: 2021-10-01. Review status: criteria provided, single submitter. Criteria: ACMG Guidelines, 2015. Collection method: clinical testing. Allele origin: paternal. Affected: yes.
Comment: PM1, PM2, PM3, PP2, PP3

Literature cited by the submitters: PubMed 34008892.

NM_001139.3(ALOX12B):c.805C>T (p.Leu269Phe)

Genes: ALOX12B (arachidonate 12-lipoxygenase, 12R type; minus strand), LOC130060196 (ATAC-STARR-seq lymphoblastoid active region 11660; plus strand). Cytogenetic location: 17p13.1.
Variant type: single nucleotide variant.
Coding change: c.805C>T on transcript NM_001139.3 (MANE Select); coding-DNA position 805, C replaced by T.
Protein change: p.Leu269Phe; replaces leucine 269 with phenylalanine.
Molecular consequence: missense variant.
Genome position (GRCh38, 1-based): chr17:8,079,891, G>A on the plus strand (C>T on the coding strand, the complement: ALOX12B is on the minus strand). VCF-style: chr17-8079891-G-A. GRCh37 (hg19) VCF-style: chr17-7983209-G-A.
Other names: short protein forms L269F.
Identifiers: ClinVar variation 1299650 (VCV001299650.1), dbSNP rs532842455, ClinGen allele CA397994475.
Genomic context (GRCh38, chr17:8,079,891, plus strand): 5'-CGGGGAACTTGTCTGGGATCCGCGTGCAGCGGCGGATCAGGCCGGGGTTGACGCCGTTGA[G>A]GTACTGGTACCCAAAGAAGGTGTCCTCTGCCCAGTGCTCGGCCACGTACTCTGCGAGGAC-3'
Protein context (NP_001130.1, residues 259-279): AEDTFFGYQY[Leu269Phe]NGVNPGLIRR